The following is an entry in ClinVar:

NM_014363.6(SACS):c.10791_10792delinsAA (p.Gln3598Lys)

Gene: SACS (sacsin molecular chaperone; minus strand). Cytogenetic location: 13q12.12.
Variant type: Indel.
Coding change: c.10791_10792delinsAA on transcript NM_014363.6 (MANE Select); coding-DNA positions 10791 to 10792, GC replaced by AA.
Protein change: p.Gln3598Lys; replaces glutamine 3598 with lysine.
Molecular consequence: missense variant.
Genome position (GRCh38, 1-based): chr13:23,333,084-23,333,085, GC replaced by TT on the plus strand (GC replaced by AA on the coding strand, the reverse complement: SACS is on the minus strand). VCF-style: chr13-23333084-GC-TT. GRCh37 (hg19) VCF-style: chr13-23907223-GC-TT.
Other names: c.10350_10351delinsAA, p.Gln3451Lys (NM_001278055.2); short protein forms Q3451K, Q3598K.
Identifiers: ClinVar variation 2010554 (VCV002010554.1), dbSNP rs2542179861, ClinGen allele CA2580086832.

ClinVar aggregate classification (germline): Uncertain significance (1 of 4 stars; one submission).

Conditions:
Spastic paraplegia. Identifiers: MedGen C0037772, HP:0001258.

Submission:

Labcorp Genetics (formerly Invitae), Labcorp
Classification: Uncertain significance for Spastic paraplegia. Last evaluated: 2022-01-28. Review status: criteria provided, single submitter. Criteria: Invitae Variant Classification Sherloc (09022015). Collection method: clinical testing. Allele origin: germline.
Comment: This sequence change replaces glutamine, which is neutral and polar, with lysine, which is basic and polar, at codon 3598 of the SACS protein (p.Gln3598Lys). Information on the frequency of this variant in the gnomAD database is not available, as this variant may be reported differently in the database. This variant has not been reported in the literature in individuals affected with SACS-related conditions. Experimental studies and prediction algorithms are not available or were not evaluated, and the functional significance of this variant is currently unknown. In summary, the available evidence is currently insufficient to determine the role of this variant in disease. Therefore, it has been classified as a Variant of Uncertain Significance.